The following is an entry in ClinVar:

ClinVar aggregate classification (germline): Benign (1 of 4 stars; one submission).

Allele frequency attached by ClinVar (database versions not stated): 1000 Genomes Project 0.00260; 1000 Genomes Project 30x 0.00265; TOPMed 0.00630; gnomAD 0.00664; ESP Exome Variant Server 0.00677; ExAC 0.00767.
gnomAD v4.1: 14,547 of 1,613,068 alleles (0.9%); highest among the groups gnomAD compares: Non-Finnish European, 1.1%; 104 homozygotes.

Submission:

CeGaT Center for Human Genetics Tuebingen
Classification: Benign. Last evaluated: 2023-03-01. Review status: criteria provided, single submitter. Criteria: CeGaT Center For Human Genetics Tuebingen Variant Classification Criteria Version 2. Collection method: clinical testing. Allele origin: germline. Affected: yes. Observed: 3 variant alleles.
Comment: MRPL22: BP4, BP7, BS1, BS2

NM_014180.4(MRPL22):c.72C>T (p.Ala24=)

Gene: MRPL22 (mitochondrial ribosomal protein L22; plus strand). Cytogenetic location: 5q33.2.
Variant type: single nucleotide variant.
Coding change: c.72C>T on transcript NM_014180.4 (MANE Select); coding-DNA position 72, C replaced by T.
Protein change: p.Ala24=; no amino-acid change (alanine 24 retained).
Molecular consequence: synonymous variant. On other transcripts: 5 prime UTR variant (1).
Genome position (GRCh38, 1-based): chr5:154,941,260, C>T. VCF-style: chr5-154941260-C-T. GRCh37 (hg19) VCF-style: chr5-154320820-C-T.
Other names: c.-51C>T (NM_001014990.3).
Identifiers: ClinVar variation 2655981 (VCV002655981.24), dbSNP rs115393757, ClinGen allele CA3529521.